The following is an entry in ClinVar:

ClinVar aggregate classification (germline): Uncertain significance (1 of 4 stars; one submission).

Submission:

GeneDx
Classification: Uncertain significance. Last evaluated: 2024-07-11. Review status: criteria provided, single submitter. Criteria: GeneDx Variant Classification Process June 2021. Collection method: clinical testing. Allele origin: germline. Affected: yes.
Comment: Not observed at significant frequency in large population cohorts (gnomAD); In silico analysis supports that this missense variant has a deleterious effect on protein structure/function; Has not been previously published as pathogenic or benign to our knowledge

NM_000701.8(ATP1A1):c.2969G>A (p.Cys990Tyr)

Genes: ATP1A1 (ATPase Na+/K+ transporting subunit alpha 1; plus strand), ATP1A1-AS1 (ATP1A1 antisense RNA 1; minus strand). Cytogenetic location: 1p13.1.
Variant type: single nucleotide variant.
Coding change: c.2969G>A on transcript NM_000701.8 (MANE Select); coding-DNA position 2969, G replaced by A.
Protein change: p.Cys990Tyr; replaces cysteine 990 with tyrosine.
Molecular consequence: missense variant.
Genome position (GRCh38, 1-based): chr1:116,403,901, G>A. VCF-style: chr1-116403901-G-A. GRCh37 (hg19) VCF-style: chr1-116946523-G-A.
Other names: c.2969G>A, p.Cys990Tyr (NM_001160233.2); c.2876G>A, p.Cys959Tyr (NM_001160234.2); short protein forms C990Y, C959Y.
Identifiers: ClinVar variation 3572428 (VCV003572428.1).